The following is an entry in ClinVar:

ClinVar aggregate classification (germline): Uncertain significance (1 of 4 stars; one submission).

Submission:

Women's Health and Genetics/Laboratory Corporation of America, LabCorp
Classification: Uncertain significance. Last evaluated: 2025-07-21. Review status: criteria provided, single submitter. Criteria: LabCorp Variant Classification Summary - May 2015. Collection method: clinical testing. Allele origin: germline.
Comment: Variant summary: AGL c.713T>G (p.Leu238Arg) results in a non-conservative amino acid change in the encoded protein sequence. Algorithms developed to predict the effect of missense changes on protein structure and function all suggest that this variant is likely to be disruptive. The variant was absent in 251322 control chromosomes (gnomAD). The available data on variant occurrences in the general population are insufficient to allow any conclusion about variant significance. c.713T>G has been observed in one individual affected with Glycogen storage disease type III (Lu_2016). These data do not allow any conclusion about variant significance. To our knowledge, no experimental evidence demonstrating an impact on protein function has been reported. The following publication have been ascertained in the context of this evaluation (PMID: 26984562). No submitters have cited clinical-significance assessments for this variant to ClinVar. Based on the evidence outlined above, the variant was classified as uncertain significance.

Literature cited by the submitters: PubMed 26984562.

NM_000642.3(AGL):c.713T>G (p.Leu238Arg)

Gene: AGL (amylo-alpha-1,6-glucosidase and 4-alpha-glucanotransferase; plus strand). Cytogenetic location: 1p21.2.
Variant type: single nucleotide variant.
Coding change: c.713T>G on transcript NM_000642.3 (MANE Select); coding-DNA position 713, T replaced by G.
Protein change: p.Leu238Arg; replaces leucine 238 with arginine.
Molecular consequence: missense variant.
Genome position (GRCh38, 1-based): chr1:99,870,448, T>G. VCF-style: chr1-99870448-T-G. GRCh37 (hg19) VCF-style: chr1-100336004-T-G.
Other names: c.713T>G, p.Leu238Arg (NM_000028.3, NM_000643.3, NM_000644.3 and 3 more transcripts); c.665T>G, p.Leu222Arg (NM_000646.3); c.509T>G, p.Leu170Arg (NM_001425328.1, NM_001425329.1); c.335T>G, p.Leu112Arg (NM_001425332.1); short protein forms L222R, L238R, L170R, L112R.
Identifiers: ClinVar variation 4525720 (VCV004525720.1).